The following is an entry in ClinVar:

NM_015175.3(NBEAL2):c.427G>A (p.Glu143Lys)

Gene: NBEAL2 (neurobeachin like 2; plus strand). Cytogenetic location: 3p21.31.
Variant type: single nucleotide variant.
Coding change: c.427G>A on transcript NM_015175.3 (MANE Select); coding-DNA position 427, G replaced by A.
Protein change: p.Glu143Lys; replaces glutamic acid 143 with lysine.
Molecular consequence: missense variant.
Genome position (GRCh38, 1-based): chr3:46,989,335, G>A. VCF-style: chr3-46989335-G-A. GRCh37 (hg19) VCF-style: chr3-47030825-G-A.
Other names: c.406G>A, p.Glu136Lys (NM_001365116.2); short protein forms E136K, E143K.
Identifiers: ClinVar variation 982271 (VCV000982271.2), dbSNP rs1001207491, ClinGen allele CA73800976.

ClinVar aggregate classification (germline): Uncertain significance. Review status: criteria provided, multiple submitters, no conflicts (2 of 4 stars). 2 submissions from 2 submitters: Uncertain significance (2). Last evaluated 2022-01-04.

Conditions:
Gray platelet syndrome (GPS). Also called: BLEEDING DISORDER, PLATELET-TYPE, 4. Identifiers: Orphanet 721, MedGen C0272302, MONDO:0007686, OMIM 139090.

gnomAD v4.1: 6 of 1,591,842 alleles (0.00038%); highest among the groups gnomAD compares: Non-Finnish European, 0.00034%; no homozygotes.

Submissions (2):

Blueprint Genetics
Classification: Uncertain significance. Last evaluated: 2022-01-04. Review status: criteria provided, single submitter. Criteria: ACMG Guidelines, 2015. Collection method: clinical testing. Allele origin: germline.

NIHR Bioresource Rare Diseases, University of Cambridge
Classification: Uncertain significance for Gray platelet syndrome. Last evaluated: 2020-03-01. Review status: criteria provided, single submitter. Criteria: ACMG Guidelines, 2015. Collection method: research. Allele origin: unknown. Inheritance: Autosomal recessive inheritance. Affected: yes. Observed: 1 compound heterozygote.
Comment: ACMG criteria: PM2, PP3, PP4

Literature cited by the submitters: PubMed 32693407 (cited by NIHR Bioresource Rare Diseases, University of Cambridge).